The following is an entry in ClinVar:

ClinVar aggregate classification (germline): Uncertain significance. Review status: criteria provided, multiple submitters, no conflicts (2 of 4 stars). 2 submissions from 2 submitters: Uncertain significance (2). Last evaluated 2024-11-21.

gnomAD v4.1: 2 of 1,609,808 alleles (0.00012%); highest among the groups gnomAD compares: South Asian, 0.0022%; no homozygotes.

Submissions (2):

Women's Health and Genetics/Laboratory Corporation of America, LabCorp
Classification: Uncertain significance. Last evaluated: 2024-11-21. Review status: criteria provided, single submitter. Criteria: LabCorp Variant Classification Summary - May 2015. Collection method: clinical testing. Allele origin: germline.
Comment: Variant summary: PDE11A c.1120C>T (p.Gln374X) results in a premature termination codon, predicted to cause a truncation of the encoded protein or absence of the protein due to nonsense mediated decay, however current evidence is not sufficient to establish loss of function as a mechanism for disease. The variant was absent in 251158 control chromosomes. The available data on variant occurrences in the general population are insufficient to allow any conclusion about variant significance. To our knowledge, no occurrence of c.1120C>T in individuals affected with Pigmented Nodular Adrenocortical Disease, Primary, 2 and no experimental evidence demonstrating its impact on protein function have been reported. ClinVar contains an entry for this variant (Variation ID: 3343286). Based on the evidence outlined above, the variant was classified as uncertain significance.

GeneDx
Classification: Uncertain significance. Last evaluated: 2023-05-09. Review status: criteria provided, single submitter. Criteria: GeneDx Variant Classification Process June 2021. Collection method: clinical testing. Allele origin: germline. Affected: yes.
Comment: Nonsense variant predicted to result in protein truncation or nonsense mediated decay in a gene or region of a gene for which loss of function is not a well-established mechanism of disease; Not observed at significant frequency in large population cohorts (gnomAD); Has not been previously published as pathogenic or benign to our knowledge

NM_016953.4(PDE11A):c.1120C>T (p.Gln374Ter)

Gene: PDE11A (phosphodiesterase 11A; minus strand). Cytogenetic location: 2q31.2.
Variant type: single nucleotide variant.
Coding change: c.1120C>T on transcript NM_016953.4 (MANE Select); coding-DNA position 1120, C replaced by T.
Protein change: p.Gln374Ter; replaces glutamine 374 with a stop codon.
Molecular consequence: nonsense.
Genome position (GRCh38, 1-based): chr2:177,905,139, G>A on the plus strand (C>T on the coding strand, the complement: PDE11A is on the minus strand). VCF-style: chr2-177905139-G-A. GRCh37 (hg19) VCF-style: chr2-178769866-G-A.
Other names: c.370C>T, p.Gln124Ter (NM_001077197.2); c.46C>T, p.Gln16Ter (NM_001077358.2); short protein forms Q124*, Q16*, Q374*.
Identifiers: ClinVar variation 3343286 (VCV003343286.2).